The following is an entry in ClinVar:

NM_003000.3(SDHB):c.670G>A (p.Asp224Asn)

Gene: SDHB (succinate dehydrogenase complex iron sulfur subunit B; minus strand). Cytogenetic location: 1p36.13.
Variant type: single nucleotide variant.
Coding change: c.670G>A on transcript NM_003000.3 (MANE Select); coding-DNA position 670, G replaced by A.
Protein change: p.Asp224Asn; replaces aspartic acid 224 with asparagine.
Molecular consequence: missense variant.
Genome position (GRCh38, 1-based): chr1:17,022,703, C>T on the plus strand (G>A on the coding strand, the complement: SDHB is on the minus strand). VCF-style: chr1-17022703-C-T. GRCh37 (hg19) VCF-style: chr1-17349198-C-T.
Other names: c.616G>A, p.Asp206Asn (NM_001407361.1); short protein forms D224N, D206N.
Identifiers: ClinVar variation 2949466 (VCV002949466.3), dbSNP rs780477085, ClinGen allele CA089707.
Genomic context (GRCh38, chr1:17,022,703, plus strand): 5'-GGCAGCGGTATAGAGAGAATGGGTCCTGCAGCTTGGCCAGGCGCTCCTCTGTGAAGTCAT[C>T]TCTGGAGTCAATCATCCAGCGATAGGCCTGGAAAACCAGGGATGATTAGCTGAGCTGCCA-3'
Protein context (NP_002991.2, residues 214-234): QAYRWMIDSR[Asp224Asn]DFTEERLAKL

ClinVar aggregate classification (germline): Uncertain significance (1 of 4 stars; one submission).

Conditions:
Pheochromocytoma. Also called: MAX-Related Hereditary Paraganglioma-Pheochromocytoma Syndrome. Identifiers: Orphanet 29072, MedGen C0031511, MONDO:0008233, OMIM 171300, HP:0002666.
Gastrointestinal stromal tumor. Also called: Gastrointestinal stromal tumor, somatic; Gastrointestinal stroma tumor. Identifiers: Orphanet 44890, MedGen C0238198, MeSH D046152, MONDO:0011719, OMIM 606764, HP:0100723.
Pheochromocytoma/paraganglioma syndrome 4. Also called: CAROTID BODY TUMORS AND MULTIPLE EXTRAADRENAL PHEOCHROMOCYTOMAS; PARAGANGLIOMA, FAMILIAL MALIGNANT; PARAGANGLIOMAS, HEREDITARY EXTRAADRENAL; PHEOCHROMOCYTOMA, FAMILIAL EXTRAADRENAL; Paragangliomas 4; SDHB-Related Hereditary Paraganglioma-Pheochromocytoma Syndrome (Paragangliomas 4). Identifiers: Orphanet 29072, MedGen C1861848, MONDO:0007273, OMIM 115310.

Allele frequency attached by ClinVar (database versions not stated): gnomAD exomes below 0.00001; ExAC 0.00001.
gnomAD v4.1: 1 of 1,613,954 alleles (0.000062%); highest among the groups gnomAD compares: Non-Finnish European, 0.000085%; no homozygotes.

Submission:

Labcorp Genetics (formerly Invitae), Labcorp
Classification: Uncertain significance for Gastrointestinal stromal tumor; Pheochromocytoma/paraganglioma syndrome 4; Pheochromocytoma. Last evaluated: 2023-06-30. Review status: criteria provided, single submitter. Criteria: Invitae Variant Classification Sherloc (09022015). Collection method: clinical testing. Allele origin: germline.
Comment: This variant is present in population databases (rs780477085, gnomAD 0.0009%). In summary, the available evidence is currently insufficient to determine the role of this variant in disease. Therefore, it has been classified as a Variant of Uncertain Significance. Advanced modeling of protein sequence and biophysical properties (such as structural, functional, and spatial information, amino acid conservation, physicochemical variation, residue mobility, and thermodynamic stability) performed at Invitae indicates that this missense variant is expected to disrupt SDHB protein function. This variant has not been reported in the literature in individuals affected with SDHB-related conditions. This sequence change replaces aspartic acid, which is acidic and polar, with asparagine, which is neutral and polar, at codon 224 of the SDHB protein (p.Asp224Asn).